The following is an entry in ClinVar:

ClinVar aggregate classification (germline): Uncertain significance (1 of 4 stars; one submission).

Conditions:
Hypogonadotropic hypogonadism 2 with or without anosmia (HH2). Also called: HYPOGONADOTROPIC HYPOGONADISM 2 WITH OR WITHOUT ANOSMIA, SUSCEPTIBILITY TO; HYPOGONADOTROPIC HYPOGONADISM 2 WITHOUT ANOSMIA, SUSCEPTIBILITY TO; FGFR1-Related GnRH Deficiency (Kallmann Syndrome 2); HYPOGONADOTROPIC HYPOGONADISM 2 WITHOUT ANOSMIA. Identifiers: Orphanet 478, MedGen C1563720, MONDO:0007844, OMIM 147950. Disease mechanism: loss of function.

Submission:

3billion
Classification: Uncertain significance for Hypogonadotropic hypogonadism 2 with or without anosmia. Last evaluated: 2023-10-16. Review status: criteria provided, single submitter. Criteria: ACMG Guidelines, 2015. Collection method: clinical testing. Allele origin: germline. Affected: yes.
Comment: The variant is not observed in the gnomAD v2.1.1 dataset. Predicted Consequence/Location: Synonymous variant In silico tools predict the variant to alter splicing and produce an abnormal transcript [SpliceAI: 0.81 (>=0.2, moderate evidence for spliceogenicity)]. Therefore, this variant is classified as VUS according to the recommendation of ACMG/AMP guideline.

NM_023110.3(FGFR1):c.1854G>A (p.Lys618=)

Gene: FGFR1 (fibroblast growth factor receptor 1; minus strand). Cytogenetic location: 8p11.23.
Variant type: single nucleotide variant.
Coding change: c.1854G>A on transcript NM_023110.3 (MANE Select); coding-DNA position 1854, G replaced by A.
Protein change: p.Lys618=; no amino-acid change (lysine 618 retained).
Molecular consequence: synonymous variant.
Genome position (GRCh38, 1-based): chr8:38,415,870, C>T on the plus strand (G>A on the coding strand, the complement: FGFR1 is on the minus strand). VCF-style: chr8-38415870-C-T. GRCh37 (hg19) VCF-style: chr8-38273388-C-T.
Other names: c.1587G>A, p.Lys529= (NM_001174066.2, NM_023105.3); c.1848G>A, p.Lys616= (NM_001174063.2, NM_001354367.2, NM_001174065.2 and 1 more transcripts); c.1947G>A, p.Lys649= (NM_001174067.2); c.1575G>A, p.Lys525= (NM_001354368.2); c.1842G>A, p.Lys614= (NM_001354369.2, NM_001410922.1); c.1824G>A, p.Lys608= (NM_001174064.2); c.1581G>A, p.Lys527= (NM_001354370.2, NM_023106.3).
Identifiers: ClinVar variation 3775594 (VCV003775594.1).